The following is an entry in ClinVar:

ClinVar aggregate classification (germline): Pathogenic/Likely pathogenic. Review status: criteria provided, multiple submitters, no conflicts (2 of 4 stars). 2 submissions from 2 submitters: Pathogenic (1); Likely pathogenic (1). Last evaluated 2017-06-22.

Conditions:
Marfan Syndrome/Loeys-Dietz Syndrome/Familial Thoracic Aortic Aneurysms and Dissections. Identifiers: MedGen CN229799.
Familial thoracic aortic aneurysm and aortic dissection (TAAD). Also called: Thoracic aortic aneurysms and dissections. Identifiers: Orphanet 91387, MedGen C4707243, MONDO:0019625.

Submissions (2):

Women's Health and Genetics/Laboratory Corporation of America, LabCorp
Classification: Likely pathogenic for Marfan Syndrome/Loeys-Dietz Syndrome/Familial Thoracic Aortic Aneurysms and Dissections. Last evaluated: 2017-06-22. Review status: criteria provided, single submitter. Criteria: LabCorp Variant Classification Summary - May 2015. Collection method: clinical testing. Allele origin: germline.
Comment: Variant summary: The FBN1 c.4562delC (p.Pro1521Glnfs) variant results in a premature termination codon, predicted to cause a truncated or absent FBN1 protein due to nonsense mediated decay, which are commonly known mechanisms for disease. Truncations downstream of this position have been classified as pathogenic by our laboratory (e.g., c.4621C>T [p.Arg1541X], c.4786C>T [p.Arg1596X], and c.4930C>T [p.Arg1644X]). One in silico tool predicts a damaging outcome for this variant. This variant is absent from the large control database ExAC (0/121160 control chromosomes). One clinical diagnostic laboratory has classified this variant as pathogenic. To our knowledge, the variant of interest has not been reported in affected individuals via publications, nor has it been evaluated for functional impact by in vivo/vitro studies. Taken together, this variant is classified as likely pathogenic.

Ambry Genetics
Classification: Pathogenic for Familial thoracic aortic aneurysm and aortic dissection. Last evaluated: 2015-06-01. Review status: criteria provided, single submitter. Criteria: Ambry Variant Classification Scheme 2023. Collection method: clinical testing. Allele origin: germline.
Comment: The c.4562delC pathogenic mutation, located in coding exon 36 of the FBN1 gene, results from a deletion of one nucleotide at nucleotide position 4562, causing a translational frameshift with a predicted alternate stop codon (p.P1521Qfs*60). Since frameshifts are typically deleterious in nature, this alteration is interpreted as a disease-causing mutation (ACMG Recommendations for Standards for Interpretation and Reporting of Sequence Variations. Revision 2007. Genet Med. 2008;10:294).

NM_000138.5(FBN1):c.4562del (p.Pro1521fs)

Gene: FBN1 (fibrillin 1; minus strand). Cytogenetic location: 15q21.1.
Variant type: Deletion.
Coding change: c.4562del on transcript NM_000138.5 (MANE Select); coding-DNA position 4562, one base deleted (C; older notation c.4562delC).
Protein change: p.Pro1521fs; shifts the reading frame from proline 1521.
Molecular consequence: frameshift variant.
Genome position (GRCh38, 1-based): chr15:48,468,432, G deleted on the plus strand (C on the coding strand, the reverse complement: FBN1 is on the minus strand); the first of 3 consecutive G bases (chr15:48,468,432-48,468,434); deleting any one gives the same sequence. VCF-style (leftmost placement, unchanged base first): chr15-48468431-TG-T. GRCh37 (hg19) VCF-style: chr15-48760628-TG-T.
Other names: c.4562delC (NM_000138.4); short protein forms P1521fs.
Identifiers: ClinVar variation 264077 (VCV000264077.5), dbSNP rs886039035, ClinGen allele CA10587829.
Genomic context (GRCh38, chr15:48,468,431, plus strand): 5'-CACAGTATGCTTGCTTCTCTGAAAAGTTTTTAAGGTCTTACCAACACAGCCAACTCGAGT[TG>T]GGTTCAGTTCAAAATCAGGTGGGCAGTCACAGATATAGCTGCCTGGAGTGTTGACACAGT-3'